The following is an entry in ClinVar:

ClinVar aggregate classification (germline): Pathogenic (1 of 4 stars; one submission).

Submission:

GeneDx
Classification: Pathogenic. Last evaluated: 2024-04-05. Review status: criteria provided, single submitter. Criteria: GeneDx Variant Classification Process June 2021. Collection method: clinical testing. Allele origin: germline. Affected: yes.
Comment: Occurs in the triple helical domain and replaces a glycine in a canonical Gly-X-Y repeat; missense substitution of a canonical glycine residue is expected to disrupt normal protein folding and function, and this is an established mechanism of disease (PMID: 34007986); Not observed at significant frequency in large population cohorts (gnomAD); In silico analysis supports that this missense variant has a deleterious effect on protein structure/function; This variant is associated with the following publications: (PMID: 34007986, 20087402, 2777764)

NM_000089.4(COL1A2):c.2863G>A (p.Gly955Ser)

Gene: COL1A2 (collagen type I alpha 2 chain; plus strand). Cytogenetic location: 7q21.3.
Variant type: single nucleotide variant.
Coding change: c.2863G>A on transcript NM_000089.4 (MANE Select); coding-DNA position 2863, G replaced by A.
Protein change: p.Gly955Ser; replaces glycine 955 with serine.
Molecular consequence: missense variant.
Genome position (GRCh38, 1-based): chr7:94,425,777, G>A. VCF-style: chr7-94425777-G-A. GRCh37 (hg19) VCF-style: chr7-94055089-G-A.
Other names: short protein forms G955S.
Identifiers: ClinVar variation 3252707 (VCV003252707.1), dbSNP rs66507857.